The following is an entry in ClinVar:

ClinVar aggregate classification (germline): Likely benign (1 of 4 stars; one submission).

gnomAD v4.1: 1,991 of 1,598,372 alleles (0.12%); highest among the groups gnomAD compares: Middle Eastern, 0.93%; 3 homozygotes.

Submission:

CeGaT Center for Human Genetics Tuebingen
Classification: Likely benign. Last evaluated: 2026-07-01. Review status: criteria provided, single submitter. Criteria: CeGaT Center For Human Genetics Tuebingen Variant Classification Criteria Version 2. Collection method: clinical testing. Allele origin: germline. Affected: yes. Observed: 2 variant alleles.
Comment: SNAPC4: BP4

NM_003086.4(SNAPC4):c.2794C>G (p.Pro932Ala)

Gene: SNAPC4 (small nuclear RNA activating complex polypeptide 4; minus strand). Cytogenetic location: 9q34.3.
Variant type: single nucleotide variant.
Coding change: c.2794C>G on transcript NM_003086.4 (MANE Select); coding-DNA position 2794, C replaced by G.
Protein change: p.Pro932Ala; replaces proline 932 with alanine.
Molecular consequence: missense variant.
Genome position (GRCh38, 1-based): chr9:136,379,033, G>C on the plus strand (C>G on the coding strand, the complement: SNAPC4 is on the minus strand). VCF-style: chr9-136379033-G-C. GRCh37 (hg19) VCF-style: chr9-139273485-G-C.
Other names: c.2794C>G, p.Pro932Ala (NM_001394201.1); c.2710C>G, p.Pro904Ala (NM_001394202.1, NM_001394203.1); short protein forms P904A, P932A.
Identifiers: ClinVar variation 3341543 (VCV003341543.16).
Genomic context (GRCh38, chr9:136,379,033, plus strand): 5'-GCGGTACATTTAAGACGGTGGGACCCGGGGCTGGGCGGCCGTGTGGGGTGTGTGGTAGAG[G>C]GGGCTGGAGGATCACAGACGAGGAGACCAGCAGCTGGGACGGGAGCACCACCGGGCCCCG-3'
Protein context (NP_003077.2, residues 922-942): LVSSSVILQP[Pro932Ala]LPHTPHGRPA